The following is an entry in ClinVar:

NM_012281.3(KCND2):c.962C>T (p.Ala321Val)

Gene: KCND2 (potassium voltage-gated channel subfamily D member 2; plus strand). Cytogenetic location: 7q31.31.
Variant type: single nucleotide variant.
Coding change: c.962C>T on transcript NM_012281.3 (MANE Select); coding-DNA position 962, C replaced by T.
Protein change: p.Ala321Val; replaces alanine 321 with valine.
Molecular consequence: missense variant.
Genome position (GRCh38, 1-based): chr7:120,275,594, C>T. VCF-style: chr7-120275594-C-T. GRCh37 (hg19) VCF-style: chr7-119915648-C-T.
Other names: c.962C>T (NM_012281.2); short protein forms A321V.
Identifiers: ClinVar variation 1465886 (VCV001465886.7), dbSNP rs2116244287, ClinGen allele CA369132774.

ClinVar aggregate classification (germline): Uncertain significance. Review status: criteria provided, multiple submitters, no conflicts (2 of 4 stars). 2 submissions from 2 submitters: Uncertain significance (2). Last evaluated 2024-11-25.

Conditions:
Early Myoclonic Encephalopathy. Identifiers: MedGen C0270855.

Allele frequency attached by ClinVar (database versions not stated): gnomAD exomes below 0.00001.
gnomAD v4.1: 2 of 1,613,188 alleles (0.00012%); highest among the groups gnomAD compares: South Asian, 0.0011%; no homozygotes.

Submissions (2):

GeneDx
Classification: Uncertain significance. Last evaluated: 2024-11-25. Review status: criteria provided, single submitter. Criteria: GeneDx Variant Classification Process June 2021. Collection method: clinical testing. Allele origin: germline. Affected: yes.
Comment: Not observed at significant frequency in large population cohorts (gnomAD); In silico analysis supports that this missense variant has a deleterious effect on protein structure/function; Has not been previously published as pathogenic or benign to our knowledge

Labcorp Genetics (formerly Invitae), Labcorp
Classification: Uncertain significance for Early Myoclonic Encephalopathy. Last evaluated: 2024-10-15. Review status: criteria provided, single submitter. Criteria: Invitae Variant Classification Sherloc (09022015). Collection method: clinical testing. Allele origin: germline.
Comment: This sequence change replaces alanine, which is neutral and non-polar, with valine, which is neutral and non-polar, at codon 321 of the KCND2 protein (p.Ala321Val). This variant is not present in population databases (gnomAD no frequency). This variant has not been reported in the literature in individuals affected with KCND2-related conditions. ClinVar contains an entry for this variant (Variation ID: 1465886). Invitae Evidence Modeling of protein sequence and biophysical properties (such as structural, functional, and spatial information, amino acid conservation, physicochemical variation, residue mobility, and thermodynamic stability) has been performed for this missense variant. However, the output from this modeling did not meet the statistical confidence thresholds required to predict the impact of this variant on KCND2 protein function. Experimental studies have shown that this missense change affects KCND2 function (PMID: 19171772). In summary, the available evidence is currently insufficient to determine the role of this variant in disease. Therefore, it has been classified as a Variant of Uncertain Significance.

Literature cited by the submitters: PubMed 19171772 (cited by Labcorp Genetics (formerly Invitae), Labcorp).